The following is an entry in ClinVar:

ClinVar aggregate classification (germline): Uncertain significance (1 of 4 stars; one submission).

Submission:

Women's Health and Genetics/Laboratory Corporation of America, LabCorp
Classification: Uncertain significance. Last evaluated: 2026-04-29. Review status: criteria provided, single submitter. Criteria: LabCorp Variant Classification Summary - May 2015. Collection method: clinical testing. Allele origin: germline.
Comment: Variant summary: MAOA c.1223C>A (p.Thr408Lys) results in a non-conservative amino acid change in the encoded protein sequence. Algorithms developed to predict the effect of missense changes on protein structure and function all suggest that this variant is likely to be disruptive. The variant was absent in 183070 control chromosomes. The available data on variant occurrences in the general population are insufficient to allow any conclusion about variant significance. To our knowledge, no occurrence of c.1223C>A in individuals affected with MAOA-related conditions and no experimental evidence demonstrating its impact on protein function have been reported. No submitters have cited clinical-significance assessments for this variant to ClinVar. Based on the evidence outlined above, the variant was classified as uncertain significance.

NM_000240.4(MAOA):c.1223C>A (p.Thr408Lys)

Gene: MAOA (monoamine oxidase A; plus strand). Cytogenetic location: Xp11.3.
Variant type: single nucleotide variant.
Coding change: c.1223C>A on transcript NM_000240.4 (MANE Select); coding-DNA position 1223, C replaced by A.
Protein change: p.Thr408Lys; replaces threonine 408 with lysine.
Molecular consequence: missense variant.
Genome position (GRCh38, 1-based): chrX:43,742,008, C>A. VCF-style: chrX-43742008-C-A. GRCh37 (hg19) VCF-style: chrX-43601255-C-A.
Other names: c.824C>A, p.Thr275Lys (NM_001270458.2); short protein forms T275K, T408K.
Identifiers: ClinVar variation 4848365 (VCV004848365.1).